The following is an entry in ClinVar:

NM_006206.6(PDGFRA):c.1364+3A>G

Gene: PDGFRA (platelet derived growth factor receptor alpha; plus strand). Cytogenetic location: 4q12.
Variant type: single nucleotide variant.
Coding change: c.1364+3A>G on transcript NM_006206.6 (MANE Select); 3 bases into the intron after coding-DNA position 1364, A replaced by G.
Molecular consequence: intron variant.
Genome position (GRCh38, 1-based): chr4:54,272,523, A>G. VCF-style: chr4-54272523-A-G. GRCh37 (hg19) VCF-style: chr4-55138690-A-G.
Other names: c.1439+3A>G (NM_001347828.2); c.1364+3A>G (NM_001347827.2, NM_001347829.2); c.1403+3A>G (NM_001347830.2).
Identifiers: ClinVar variation 660311 (VCV000660311.8), dbSNP rs1577722774, ClinGen allele CA915943052.

ClinVar aggregate classification (germline): Uncertain significance. Review status: criteria provided, multiple submitters, no conflicts (2 of 4 stars). 2 submissions from 2 submitters: Uncertain significance (2). Last evaluated 2025-03-12.

Conditions:
Hereditary cancer-predisposing syndrome. Also called: Neoplastic Syndromes, Hereditary; Tumor predisposition; Hereditary Cancer Syndrome; Hereditary neoplastic syndrome. Identifiers: Orphanet 140162, MedGen C0027672, MeSH D009386, MONDO:0015356.
Gastrointestinal stromal tumor. Also called: Gastrointestinal stromal tumor, somatic; Gastrointestinal stroma tumor. Identifiers: Orphanet 44890, MedGen C0238198, MeSH D046152, MONDO:0011719, OMIM 606764, HP:0100723.

Submissions (2):

Ambry Genetics
Classification: Uncertain significance for Hereditary cancer-predisposing syndrome. Last evaluated: 2025-03-12. Review status: criteria provided, single submitter. Criteria: Ambry Variant Classification Scheme 2023. Collection method: clinical testing. Allele origin: germline.
Comment: The c.1364+3A>G intronic variant results from an A to G substitution 3 nucleotides after coding exon 8 in the PDGFRA gene. This nucleotide position is highly conserved in available vertebrate species. In silico splice site analysis predicts that this alteration will weaken the native splice donor site. Based on the available evidence, the clinical significance of this variant remains unclear.

Labcorp Genetics (formerly Invitae), Labcorp
Classification: Uncertain significance for Gastrointestinal stromal tumor. Last evaluated: 2022-11-23. Review status: criteria provided, single submitter. Criteria: Invitae Variant Classification Sherloc (09022015). Collection method: clinical testing. Allele origin: germline.
Comment: In summary, the available evidence is currently insufficient to determine the role of this variant in disease. Therefore, it has been classified as a Variant of Uncertain Significance. Variants that disrupt the consensus splice site are a relatively common cause of aberrant splicing (PMID: 17576681, 9536098). Algorithms developed to predict the effect of sequence changes on RNA splicing suggest that this variant may disrupt the consensus splice site. ClinVar contains an entry for this variant (Variation ID: 660311). This variant has not been reported in the literature in individuals affected with PDGFRA-related conditions. This variant is not present in population databases (gnomAD no frequency). This sequence change falls in intron 9 of the PDGFRA gene. It does not directly change the encoded amino acid sequence of the PDGFRA protein. It affects a nucleotide within the consensus splice site.

Literature cited by the submitters: PubMed 17576681 (cited by Labcorp Genetics (formerly Invitae), Labcorp); PubMed 9536098 (cited by Labcorp Genetics (formerly Invitae), Labcorp).